The following is an entry in ClinVar:

NC_000009.12:g.35657995G>C

Gene: RMRP (RNA component of mitochondrial RNA processing endoribonuclease; minus strand). Cytogenetic location: 9p13.3.
Variant type: single nucleotide variant.
Genome position: GRCh38 VCF-style: chr9-35657995-G-C. GRCh37 (hg19) VCF-style: chr9-35657992-G-C.
Identifiers: ClinVar variation 1507408 (VCV001507408.3), dbSNP rs1345823900, ClinGen allele CA464451033.

ClinVar aggregate classification (germline): Uncertain significance (1 of 4 stars; one submission).

Conditions:
Anauxetic dysplasia. Identifiers: Orphanet 93347, MedGen C1846796, MONDO:0011773.

gnomAD v4.1: 1 of 698,808 alleles (0.00014%); no homozygotes.

Submission:

Labcorp Genetics (formerly Invitae), Labcorp
Classification: Uncertain significance for Anauxetic dysplasia. Last evaluated: 2021-02-05. Review status: criteria provided, single submitter. Criteria: Invitae Variant Classification Sherloc (09022015). Collection method: clinical testing. Allele origin: germline.
Comment: This variant occurs in the RMRP gene, which encodes an RNA molecule that does not result in a protein product. The frequency data for this variant in the population databases is considered unreliable, as metrics indicate insufficient coverage at this position in the ExAC database. This variant has not been reported in the literature in individuals with RMRP-related conditions. Experimental studies and prediction algorithms are not available or were not evaluated, and the functional significance of this variant is currently unknown. In summary, the available evidence is currently insufficient to determine the role of this variant in disease. Therefore, it has been classified as a Variant of Uncertain Significance.